The following is an entry in ClinVar:

NM_023110.3(FGFR1):c.381TGA[7] (p.Asp133dup)

Gene: FGFR1 (fibroblast growth factor receptor 1; minus strand). Cytogenetic location: 8p11.23.
Variant type: Microsatellite.
Coding change: c.381TGA[7] on transcript NM_023110.3 (MANE Select); seven copies in a row of the 3-base unit TGA starting at c.381; the reference has six copies in a row; one copy, 3 bases duplicated; also written c.396_398dup.
Protein change: p.Asp133dup; duplicates aspartic acid 133.
Molecular consequence: inframe insertion.
Genome position (GRCh38, 1-based): chr8:38,428,396-38,428,398, TCA duplicated on the plus strand (TGA on the coding strand, the reverse complement: FGFR1 is on the minus strand); duplicating any 3 consecutive bases within chr8:38,428,396-38,428,415 gives the same sequence; the position shown is the placement nearest the transcript's 3' end. VCF-style (leftmost placement, unchanged base first): chr8-38428395-G-GTCA. GRCh37 (hg19) VCF-style: chr8-38285913-G-GTCA.
Other names: c.396_398dup (NM_023110.3); c.381TGA[7], p.Asp133dup (NM_001174063.2, NM_001174065.2, NM_001354367.2 and 2 more transcripts); c.357TGA[7], p.Asp125dup (NM_001174064.2); c.114TGA[7], p.Asp44dup (NM_001174066.2, NM_001354368.2, NM_001354370.2 and 2 more transcripts); c.480TGA[7], p.Asp166dup (NM_001174067.2); c.396_398dupTGA (NM_023110.3).
Identifiers: ClinVar variation 444746 (VCV000444746.54), dbSNP rs138489552, ClinGen allele CA4718759.
Genomic context (GRCh38, chr8:38,428,395, plus strand): 5'-CAGTGTCTCACGCATACGGTTTGGTTTGGTGTTATCTGTTTCTTTCTCCTCTGAAGAGGA[G>GTCA]TCATCATCATCATCATCATCCTCCGAGGAGGGGAGAGCATCTATGGGAAGAAGAAGGGGC-3'

ClinVar aggregate classification (germline): Conflicting classifications of pathogenicity. Review status: criteria provided, conflicting classifications (1 of 4 stars). 6 submissions from 6 submitters: Uncertain significance (3); Likely benign (2). 1 of the submissions does not count toward it. Last evaluated 2026-06-12.

Conditions:
Mendelian syndromes with cleft lip/palate. Also called: Orofacial clefting syndrome. Identifiers: Orphanet 139039, MedGen C5680616, MONDO:0015335.
Pfeiffer syndrome (ACS5). Also called: ACS V. Identifiers: Orphanet 710, MedGen C0220658, MONDO:0007043, OMIM 101600.
Hypogonadotropic hypogonadism 2 with or without anosmia (HH2). Also called: HYPOGONADOTROPIC HYPOGONADISM 2 WITH OR WITHOUT ANOSMIA, SUSCEPTIBILITY TO; HYPOGONADOTROPIC HYPOGONADISM 2 WITHOUT ANOSMIA, SUSCEPTIBILITY TO; HYPOGONADOTROPIC HYPOGONADISM 2 WITHOUT ANOSMIA; FGFR1-Related GnRH Deficiency (Kallmann Syndrome 2). Identifiers: Orphanet 478, MedGen C1563720, MONDO:0007844, OMIM 147950. Disease mechanism: loss of function.

Submissions (6):

Women's Health and Genetics/Laboratory Corporation of America, LabCorp
Classification: Uncertain significance. Last evaluated: 2026-06-12. Review status: criteria provided, single submitter. Criteria: LabCorp Variant Classification Summary - May 2015. Collection method: clinical testing. Allele origin: germline.
Comment: Variant summary: FGFR1 c.396_398dupTGA (p.Asp133dup) results in an in-frame duplication that is predicted to duplicate one amino acids into the encoded protein. The variant allele was found at a frequency of 0.00027 in 242328 control chromosomes. This frequency is not significantly higher than estimated for disease-causing variants in FGFR1, allowing no conclusion about variant significance. c.396_398dupTGA has been observed in individual(s) affected with FGFR1-related conditions (Slavec_2023). These report(s) do not provide unequivocal conclusions about association of the variant with disease. To our knowledge, no experimental evidence demonstrating an impact on protein function has been reported. The following publication have been ascertained in the context of this evaluation (PMID: 36901693). ClinVar contains an entry for this variant (Variation ID: 444746). Based on the evidence outlined above, the variant was classified as uncertain significance.

Labcorp Genetics (formerly Invitae), Labcorp
Classification: Uncertain significance for Pfeiffer syndrome; Hypogonadotropic hypogonadism 2 with or without anosmia. Last evaluated: 2025-12-11. Review status: criteria provided, single submitter. Criteria: Invitae Variant Classification Sherloc (09022015). Collection method: clinical testing. Allele origin: germline.
Comment: This variant, c.396_398dup, results in the insertion of 1 amino acid(s) of the FGFR1 protein (p.Asp133dup), but otherwise preserves the integrity of the reading frame. This variant is present in population databases (rs776622310, gnomAD 0.05%), and has an allele count higher than expected for a pathogenic variant. This variant has been observed in individual(s) with clinical features of FGFR1-related conditions (PMID: 36901693). ClinVar contains an entry for this variant (Variation ID: 444746). Experimental studies and prediction algorithms are not available or were not evaluated, and the functional significance of this variant is currently unknown. In summary, the available evidence is currently insufficient to determine the role of this variant in disease. Therefore, it has been classified as a Variant of Uncertain Significance.

CeGaT Center for Human Genetics Tuebingen
Classification: Likely benign. Last evaluated: 2025-02-01. Review status: criteria provided, single submitter. Criteria: CeGaT Center For Human Genetics Tuebingen Variant Classification Criteria Version 2. Collection method: clinical testing. Allele origin: germline. Affected: yes. Observed: 3 variant alleles.
Comment: FGFR1: BS1

Blueprint Genetics
Classification: Likely benign. Last evaluated: 2024-10-17. Review status: criteria provided, single submitter. Criteria: ACMG Guidelines, 2015. Collection method: clinical testing. Allele origin: germline.

GeneDx
Classification: Uncertain significance. Last evaluated: 2021-09-08. Review status: criteria provided, single submitter. Criteria: GeneDx Variant Classification Process June 2021. Collection method: clinical testing. Allele origin: germline. Affected: yes.
Comment: In-frame insertion of 1 amino acids in a repetitive region with no known function; Has not been previously published as pathogenic or benign to our knowledge

Faculty of Pharmacy, University of Ljubljana
Classification: Uncertain significance for Mendelian syndromes with cleft lip/palate. Review status: no assertion criteria provided. Collection method: research. Allele origin: germline. Inheritance: Autosomal dominant inheritance. Affected: yes. Observed: 2 variant alleles, 2 heterozygotes. Clinical features observed: cleft palate. Not counted in ClinVar's aggregate classification.

Literature cited by the submitters: PubMed 36901693 (cited by 3 submitters).